The following is an entry in ClinVar:

ClinVar aggregate classification (germline): Uncertain significance. Review status: criteria provided, multiple submitters, no conflicts (2 of 4 stars). 2 submissions from 2 submitters: Uncertain significance (2). Last evaluated 2023-03-27.

Conditions:
Inborn genetic diseases. Identifiers: MedGen C0950123, MeSH D030342.

Allele frequency attached by ClinVar (database versions not stated): gnomAD exomes 0.00002 and 0.00006; ExAC 0.00006; TOPMed 0.00007; gnomAD 0.00010 and 0.00011.
gnomAD v4.1: 37 of 1,521,140 alleles (0.0024%); highest among the groups gnomAD compares: African/African-American, 0.058%; no homozygotes.

Submissions (2):

GeneDx
Classification: Uncertain significance. Last evaluated: 2023-03-27. Review status: criteria provided, single submitter. Criteria: GeneDx Variant Classification Process June 2021. Collection method: clinical testing. Allele origin: germline. Affected: yes.
Comment: Reported using an alternate transcript of the gene; In silico analysis supports that this missense variant does not alter protein structure/function; Has not been previously published as pathogenic or benign to our knowledge

Ambry Genetics
Classification: Uncertain significance for Inborn genetic diseases. Last evaluated: 2020-10-13. Review status: criteria provided, single submitter. Criteria: Ambry Variant Classification Scheme 2023. Collection method: clinical testing. Allele origin: germline.
Comment: The p.E920K variant (also known as c.2758G>A), located in coding exon 26 of the KIF1A gene, results from a G to A substitution at nucleotide position 2758. The glutamic acid at codon 920 is replaced by lysine, an amino acid with similar properties. This amino acid position is well conserved in available vertebrate species. In addition, this alteration is predicted to be tolerated by in silico analysis. Since supporting evidence is limited at this time, the clinical significance of this alteration remains unclear.

NM_001244008.2(KIF1A):c.2758G>A (p.Glu920Lys)

Gene: KIF1A (kinesin family member 1A; minus strand). Cytogenetic location: 2q37.3.
Variant type: single nucleotide variant.
Coding change: c.2758G>A on transcript NM_001244008.2 (MANE Select); coding-DNA position 2758, G replaced by A.
Protein change: p.Glu920Lys; replaces glutamic acid 920 with lysine.
Molecular consequence: missense variant. On other transcripts: intron variant (18).
Genome position (GRCh38, 1-based): chr2:240,757,419, C>T on the plus strand (G>A on the coding strand, the complement: KIF1A is on the minus strand). VCF-style: chr2-240757419-C-T. GRCh37 (hg19) VCF-style: chr2-241696836-C-T.
Other names: c.2833G>A, p.Glu945Lys (NM_001379631.1); c.2707G>A, p.Glu903Lys (NM_001379632.1); c.2731G>A, p.Glu911Lys (NM_001379633.1, NM_001379642.1, NM_001379645.1); c.2555+941G>A (NM_001379653.1, NM_001379650.1, NM_001379640.1 and 6 more transcripts); c.2657+941G>A (NM_001379635.1, NM_001330290.2, NM_001379646.1 and 1 more transcripts); c.2630+941G>A (NM_001379637.1, NM_001379648.1); c.2582+941G>A (NM_001320705.2, NM_001379638.1, NM_001330289.2); short protein forms E903K, E911K, E920K, E945K.
Identifiers: ClinVar variation 1215420 (VCV001215420.6), dbSNP rs759716529, ClinGen allele CA2208027.